The following continues an entry in ClinVar:

NM_000179.3(MSH6):c.3851C>T (p.Thr1284Met)

Gene: MSH6. ClinVar aggregate classification (germline): Conflicting classifications of pathogenicity. Uncertain significance (6); Likely benign (9).

Submissions 14 to 17 of 17:

Women's Health and Genetics/Laboratory Corporation of America, LabCorp
Classification: Likely benign. Last evaluated: 2019-11-25. Review status: criteria provided, single submitter. Criteria: LabCorp Variant Classification Summary - May 2015. Collection method: clinical testing. Allele origin: germline.
Comment: Variant summary: MSH6 c.3851C>T (p.Thr1284Met) results in a non-conservative amino acid change located in the DNA mismatch repair protein MutS, C-terminal domain (IPR000432) of the encoded protein sequence. Five of five in-silico tools predict a damaging effect of the variant on protein function. The variant allele was found at a frequency of 0.00019 in 251304 control chromosomes, predominantly at a frequency of 0.0011 within the South Asian subpopulation in the gnomAD database. The observed variant frequency within South Asian control individuals in the gnomAD database is approximately 8 fold of the estimated maximal expected allele frequency for a pathogenic variant in MSH6 causing Lynch Syndrome phenotype (0.00014), strongly suggesting that the variant is a benign polymorphism found primarily in populations of South Asian origin. c.3851C>T has been reported in the literature in individuals affected with Lynch Syndrome, sporadic sarcoma, or pancreatic cancer (Chan_1999, Yan_2007, Belvederesi_2012, Chan_2017, Young_2018). These reports do not provide unequivocal conclusions about association of the variant with Lynch Syndrome. Seven clinical diagnostic laboratories have submitted clinical-significance assessments for this variant to ClinVar after 2014 without evidence for independent evaluation (6x VUS, 1x likely benign). Based on the evidence outlined above, the variant was classified as likely benign.

Mendelics
Classification: Uncertain significance for Lynch syndrome 5. Last evaluated: 2019-05-28. Review status: criteria provided, single submitter. Criteria: Mendelics Assertion Criteria 2017. Collection method: clinical testing. Allele origin: unknown.

Counsyl
Classification: Uncertain significance for Lynch syndrome 5. Last evaluated: 2017-04-06. Review status: no assertion criteria provided. Collection method: clinical testing. Allele origin: unknown. Not counted in ClinVar's aggregate classification.

Department of Pathology and Laboratory Medicine, Sinai Health System
Classification: Uncertain significance for Carcinoma of colon. Review status: no assertion criteria provided. Collection method: clinical testing. Allele origin: unknown. Affected: yes. Study: The Canadian Open Genetics Repository (COGR). Not counted in ClinVar's aggregate classification.
Comment: The MSH6 p.Thr1284Met variant was identified in 2 of 312 proband chromosomes (frequency: 0.006) from individuals or families with colorectal cancer (Chan 1999, Yan 2007). The variant was also identified in the following databases: dbSNP (ID: rs63750836) as With Uncertain significance allele, ClinVar (classified as uncertain significance by InSight, Ambry Genetics, GenDx; classified as likely benign by Ivitae), Clinvitae (classified as uncertain significance by ClinVar), MutDB (unclassified), Insight Colon Cancer Gene Variant Database (4X class3), Zhejiang Colon Cancer Database, Mismatch Repair Genes Variant Database, and the Insight Hereditary Tumors Database (4X). The variant was not identified in Cosmic, UMD-LSDB, databases. The variant was identified in control databases in 50 of 276776 chromosomes at a frequency of 0.000181 (Genome Aggregation Consortium Feb 27, 2017). The sub-cellular localization analysis of this variant suggested a proper MSH6 nuclear import (Belvederesi 2012). The p.Thr1284 residue is conserved across mammals and other organisms, and computational analyses (PolyPhen-2, SIFT, AlignGVGD, BLOSUM, MutationTaster) suggest that the variant may impact the protein; however, this information is not predictive enough to assume pathogenicity. The variant occurs outside of the splicing consensus sequence and in silico or computational prediction software programs (SpliceSiteFinder, MaxEntScan, NNSPLICE, GeneSplicer, HumanSpliceFinder) do not predict a difference in splicing. The variant is located with the DNA mismatch repair protein MutS, C-terminal P-loop containing nucleoside triphosphate hydrolase DNA mismatch repair protein Msh6 functional domains. In summary, based on the above information, the clinical significance of this variant cannot be determined with certainty at this time. This variant is classified as a variant of uncertain significance.

Literature cited by the submitters: PubMed 27363726 (cited by Myriad Genetics, Inc.); PubMed 31965077 (cited by Quest Diagnostics Nichols Institute San Juan Capistrano and Ambry Genetics); PubMed 33563768 (cited by Quest Diagnostics Nichols Institute San Juan Capistrano); PubMed 35449176 (cited by Quest Diagnostics Nichols Institute San Juan Capistrano); PubMed 32091409 (cited by Quest Diagnostics Nichols Institute San Juan Capistrano); PubMed 32620917 (cited by Quest Diagnostics Nichols Institute San Juan Capistrano); PubMed 17854147 (cited by 5 submitters); PubMed 10413423 (cited by 5 submitters); PubMed 22851212 (cited by 5 submitters); PubMed 23621914 (cited by 4 submitters); PubMed 29945567 (cited by 4 submitters); PubMed 26333163 (cited by 3 submitters); PubMed 33471991 (cited by Quest Diagnostics Nichols Institute San Juan Capistrano); PubMed 28878254 (cited by 4 submitters); PubMed 29641532 (cited by Ambry Genetics).